The following is an entry in ClinVar:

NM_000494.4(COL17A1):c.2468del (p.Pro823fs)

Gene: COL17A1 (collagen type XVII alpha 1 chain; minus strand). Cytogenetic location: 10q25.1.
Variant type: Deletion.
Coding change: c.2468del on transcript NM_000494.4 (MANE Select); coding-DNA position 2468, one base deleted (C; older notation c.2468delC).
Protein change: p.Pro823fs; shifts the reading frame from proline 823.
Molecular consequence: frameshift variant.
Genome position (GRCh38, 1-based): chr10:104,043,548, G deleted on the plus strand (C on the coding strand, the reverse complement: COL17A1 is on the minus strand); the first of 6 consecutive G bases (chr10:104,043,548-104,043,553); deleting any one gives the same sequence. VCF-style (leftmost placement, unchanged base first): chr10-104043547-TG-T. GRCh37 (hg19) VCF-style: chr10-105803305-TG-T.
Other names: short protein forms P823fs.
Identifiers: ClinVar variation 1704972 (VCV001704972.2), dbSNP rs2493307221, ClinGen allele CA2580081222.
Genomic context (GRCh38, chr10:104,043,547, plus strand): 5'-GAAAATAGACTGACCTGGGGCACCTGGAGGTCCTGGGGGTCCCATGGCTCCAGGAGGTCC[TG>T]GGGGGCCTGGGACAGTGAGCATCGATGACCCCTCTGAAAACAGAAGGCACATGGAACATT-3'

ClinVar aggregate classification (germline): Pathogenic (1 of 4 stars; one submission).

Submission:

GeneDx
Classification: Pathogenic. Last evaluated: 2022-09-02. Review status: criteria provided, single submitter. Criteria: GeneDx Variant Classification Process June 2021. Collection method: clinical testing. Allele origin: germline. Affected: yes.
Comment: Has not been previously published as pathogenic or benign to our knowledge; Frameshift variant predicted to result in protein truncation or nonsense mediated decay in a gene for which loss-of-function is a known mechanism of disease; Not observed in large population cohorts (gnomAD)